The following is an entry in ClinVar:

NM_006796.3(AFG3L2):c.1820A>G (p.Gln607Arg)

Gene: AFG3L2 (AFG3 like matrix AAA peptidase subunit 2; minus strand). Cytogenetic location: 18p11.21.
Variant type: single nucleotide variant.
Coding change: c.1820A>G on transcript NM_006796.3 (MANE Select); coding-DNA position 1820, A replaced by G.
Protein change: p.Gln607Arg; replaces glutamine 607 with arginine.
Molecular consequence: missense variant.
Genome position (GRCh38, 1-based): chr18:12,340,361, T>C on the plus strand (A>G on the coding strand, the complement: AFG3L2 is on the minus strand). VCF-style: chr18-12340361-T-C. GRCh37 (hg19) VCF-style: chr18-12340360-T-C.
Other names: short protein forms Q607R.
Identifiers: ClinVar variation 426768 (VCV000426768.9), dbSNP rs774546735, ClinGen allele CA8896369.
Genomic context (GRCh38, chr18:12,340,361, plus strand): 5'-ATACACATCCTATCCAAGAGCTGCTCTTTGGTATAGAGGTATTGTTCTTTTGGTAAATAC[T>C]GAGCATAACCTAGTCCTTTGCCACGTGGGATGATGGATACCTGGTAAGTAGAAAACAGTG-3'
Protein context (NP_006787.2, residues 597-617): IPRGKGLGYA[Gln607Arg]YLPKEQYLYT

ClinVar aggregate classification (germline): Uncertain significance. Review status: criteria provided, multiple submitters, no conflicts (2 of 4 stars). 4 submissions from 4 submitters: Uncertain significance (4). Last evaluated 2025-10-28.

Conditions:
Inborn genetic diseases. Identifiers: MedGen C0950123, MeSH D030342.

Allele frequency attached by ClinVar (database versions not stated): TOPMed below 0.00001; gnomAD 0.00001; gnomAD exomes 0.00001 and 0.00002; ExAC 0.00002.
gnomAD v4.1: 15 of 1,614,064 alleles (0.00093%); highest among the groups gnomAD compares: Admixed American, 0.005%; no homozygotes.

Submissions (4):

Ambry Genetics
Classification: Uncertain significance for Inborn genetic diseases. Last evaluated: 2025-10-28. Review status: criteria provided, single submitter. Criteria: Ambry Variant Classification Scheme 2023. Collection method: clinical testing. Allele origin: germline.

Labcorp Genetics (formerly Invitae), Labcorp
Classification: Uncertain significance. Last evaluated: 2023-03-17. Review status: criteria provided, single submitter. Criteria: Invitae Variant Classification Sherloc (09022015). Collection method: clinical testing. Allele origin: germline.
Comment: In summary, the available evidence is currently insufficient to determine the role of this variant in disease. Therefore, it has been classified as a Variant of Uncertain Significance. Advanced modeling of protein sequence and biophysical properties (such as structural, functional, and spatial information, amino acid conservation, physicochemical variation, residue mobility, and thermodynamic stability) performed at Invitae indicates that this missense variant is expected to disrupt AFG3L2 protein function. ClinVar contains an entry for this variant (Variation ID: 426768). This variant has not been reported in the literature in individuals affected with AFG3L2-related conditions. This variant is present in population databases (rs774546735, gnomAD 0.006%). This sequence change replaces glutamine, which is neutral and polar, with arginine, which is basic and polar, at codon 607 of the AFG3L2 protein (p.Gln607Arg).

Athena Diagnostics
Classification: Uncertain significance. Last evaluated: 2020-11-13. Review status: criteria provided, single submitter. Criteria: Athena Diagnostics criteria. Collection method: clinical testing. Allele origin: unknown.

GeneDx
Classification: Uncertain significance. Last evaluated: 2017-04-05. Review status: criteria provided, single submitter. Criteria: GeneDx Variant Classification (06012015). Collection method: clinical testing. Allele origin: germline. Affected: yes.
Comment: The Q607R variant has not been published as a pathogenic variant, nor has it been reported as a benign variant to our knowledge. The Q607R variant is not observed at a significant frequency in large population cohorts (Lek et al., 2016; 1000 Genomes Consortium et al., 2015; Exome Variant Server). The Q607R variant is a semi-conservative amino acid substitution, which may impact secondary protein structure as these residues differ in some properties. This substitution occurs at a position that is conserved across species, and in silico analysis predicts this variant is probably damaging to the protein structure/function. In summary, based on the currently available information, it is unclear whether this variant is a pathogenic variant or a rare benign variant.